The following is an entry in ClinVar:

NC_000011.9:g.(?_116660844)_(116662576_?)del

Gene: APOA5 (apolipoprotein A5; minus strand). Cytogenetic location: 11q23.3.
Variant type: Deletion.
Identifiers: ClinVar variation 3244787 (VCV003244787.1).

ClinVar aggregate classification (germline): Uncertain significance (1 of 4 stars; one submission).

Submission:

Labcorp Genetics (formerly Invitae), Labcorp
Classification: Uncertain significance. Last evaluated: 2024-01-31. Review status: criteria provided, single submitter. Criteria: Invitae Variant Classification Sherloc (09022015). Collection method: clinical testing. Allele origin: unknown.
Comment: This sequence change creates a premature translational stop signal (Deletion (Entire coding sequence)) in the APOA5 gene. It is expected to result in an absent or disrupted protein product. However, the current clinical and genetic evidence is not sufficient to establish whether loss-of-function variants in APOA5 cause disease. This variant has not been reported in the literature in individuals affected with APOA5-related conditions. In summary, the available evidence is currently insufficient to determine the role of this variant in disease. Therefore, it has been classified as a Variant of Uncertain Significance.